The following is an entry in ClinVar:

ClinVar aggregate classification (germline): Uncertain significance. Review status: criteria provided, multiple submitters, no conflicts (2 of 4 stars). 2 submissions from 2 submitters: Uncertain significance (2). Last evaluated 2024-04-01.

Conditions:
Inborn genetic diseases. Identifiers: MedGen C0950123, MeSH D030342.
Spastic paraplegia. Identifiers: MedGen C0037772, HP:0001258.

Allele frequency attached by ClinVar (database versions not stated): gnomAD exomes 0.00002; ESP Exome Variant Server 0.00008; ExAC 0.00009; 1000 Genomes Project 30x 0.00016; TOPMed 0.00017; gnomAD 0.00019; 1000 Genomes Project 0.00020.
gnomAD v4.1: 65 of 1,613,960 alleles (0.004%); highest among the groups gnomAD compares: African/African-American, 0.056%; no homozygotes.

Submissions (2):

Ambry Genetics
Classification: Uncertain significance for Inborn genetic diseases. Last evaluated: 2024-04-01. Review status: criteria provided, single submitter. Criteria: Ambry Variant Classification Scheme 2023. Collection method: clinical testing. Allele origin: germline.

Labcorp Genetics (formerly Invitae), Labcorp
Classification: Uncertain significance for Spastic paraplegia. Last evaluated: 2022-02-05. Review status: criteria provided, single submitter. Criteria: Invitae Variant Classification Sherloc (09022015). Collection method: clinical testing. Allele origin: germline.
Comment: This sequence change replaces valine, which is neutral and non-polar, with isoleucine, which is neutral and non-polar, at codon 1228 of the ZFYVE26 protein (p.Val1228Ile). This variant is present in population databases (rs146535202, gnomAD 0.08%). This variant has not been reported in the literature in individuals affected with ZFYVE26-related conditions. Algorithms developed to predict the effect of missense changes on protein structure and function output the following: SIFT: "Tolerated"; PolyPhen-2: "Benign"; Align-GVGD: "Class C0". The isoleucine amino acid residue is found in multiple mammalian species, which suggests that this missense change does not adversely affect protein function. In summary, the available evidence is currently insufficient to determine the role of this variant in disease. Therefore, it has been classified as a Variant of Uncertain Significance.

NM_015346.4(ZFYVE26):c.3682G>A (p.Val1228Ile)

Gene: ZFYVE26 (zinc finger FYVE-type containing 26; minus strand). Cytogenetic location: 14q24.1.
Variant type: single nucleotide variant.
Coding change: c.3682G>A on transcript NM_015346.4 (MANE Select); coding-DNA position 3682, G replaced by A.
Protein change: p.Val1228Ile; replaces valine 1228 with isoleucine.
Molecular consequence: missense variant.
Genome position (GRCh38, 1-based): chr14:67,783,470, C>T on the plus strand (G>A on the coding strand, the complement: ZFYVE26 is on the minus strand). VCF-style: chr14-67783470-C-T. GRCh37 (hg19) VCF-style: chr14-68250187-C-T.
Other names: c.3682G>A (NM_015346.3); short protein forms V1228I.
Identifiers: ClinVar variation 2046146 (VCV002046146.2), dbSNP rs146535202, ClinGen allele CA7239925.